The following is an entry in ClinVar:

NM_032638.5(GATA2):c.742_743del (p.Thr248fs)

Gene: GATA2 (GATA binding protein 2; minus strand). Cytogenetic location: 3q21.3.
Variant type: Deletion.
Coding change: c.742_743del on transcript NM_032638.5 (MANE Select); coding-DNA positions 742 to 743, 2 bases deleted (AC; older notation c.742_743delAC).
Protein change: p.Thr248fs; shifts the reading frame from threonine 248.
Molecular consequence: frameshift variant.
Genome position (GRCh38, 1-based): chr3:128,485,855-128,485,856, GT deleted on the plus strand (AC on the coding strand, the reverse complement: GATA2 is on the minus strand); deleting any 2 consecutive bases within chr3:128,485,855-128,485,857 gives the same sequence; the c. name uses the placement nearest the transcript's 3' end. VCF-style (leftmost placement, unchanged base first): chr3-128485854-GGT-G. GRCh37 (hg19) VCF-style: chr3-128204697-GGT-G.
Other names: c.742_743delAC (NM_001145661.1); c.742_743del, p.Thr248fs (NM_001145661.2, NM_001145662.1); short protein forms T248fs.
Identifiers: ClinVar variation 4995879 (VCV004995879.1).

ClinVar aggregate classification (germline): Likely pathogenic (1 of 4 stars; one submission).

Conditions:
GATA2-related disorder. Also called: GATA2-Related Disorders; GATA2-related condition.

Submission:

PreventionGenetics, part of Exact Sciences
Classification: Likely pathogenic for GATA2-related condition. Last evaluated: 2026-05-26. Review status: criteria provided, single submitter. Criteria: ACMG Guidelines, 2015. Collection method: clinical testing. Allele origin: germline.
Comment: The GATA2 c.742_743delAC variant is predicted to result in a frameshift and premature protein termination (p.Thr248Leufs*33). To our knowledge, this variant has not been reported in the literature or in a large population database (gnomAD), indicating this variant is rare. Frameshift variants in GATA2 are expected to be pathogenic. This variant is interpreted as likely pathogenic.